The following is an entry in ClinVar:

ClinVar aggregate classification (germline): Likely benign (1 of 4 stars; one submission).

Allele frequency attached by ClinVar (database versions not stated): TOPMed 0.00001; gnomAD 0.00001; gnomAD exomes 0.00001.
gnomAD v4.1: 5 of 1,613,842 alleles (0.00031%); highest among the groups gnomAD compares: Non-Finnish European, 0.00042%; no homozygotes.

Submission:

GeneDx
Classification: Likely benign. Last evaluated: 2018-05-04. Review status: criteria provided, single submitter. Criteria: GeneDx Variant Classification (06012015). Collection method: clinical testing. Allele origin: germline. Affected: yes.
Comment: This variant is considered likely benign or benign based on one or more of the following criteria: it is a conservative change, it occurs at a poorly conserved position in the protein, it is predicted to be benign by multiple in silico algorithms, and/or has population frequency not consistent with disease.

NM_001267550.2(TTN):c.87908G>T (p.Ser29303Ile)

Genes: TTN (titin; minus strand), TTN-AS1 (TTN antisense RNA 1; plus strand). Cytogenetic location: 2q31.2.
Variant type: single nucleotide variant.
Coding change: c.87908G>T on transcript NM_001267550.2 (MANE Select); coding-DNA position 87908, G replaced by T.
Protein change: p.Ser29303Ile; replaces serine 29303 with isoleucine.
Molecular consequence: missense variant.
Genome position (GRCh38, 1-based): chr2:178,557,354, C>A on the plus strand (G>T on the coding strand, the complement: TTN is on the minus strand). VCF-style: chr2-178557354-C-A. GRCh37 (hg19) VCF-style: chr2-179422081-C-A.
Other names: c.82985G>T, p.Ser27662Ile (NM_001256850.1); c.60713G>T, p.Ser20238Ile (NM_003319.4); c.80204G>T, p.Ser26735Ile (NM_133378.4); c.61088G>T, p.Ser20363Ile (NM_133432.3); c.61289G>T, p.Ser20430Ile (NM_133437.4); short protein forms S20238I, S20430I, S27662I, S20363I, S26735I, S29303I.
Identifiers: ClinVar variation 668171 (VCV000668171.1), dbSNP rs1190785295, ClinGen allele CA349533168.